The following is an entry in ClinVar:

NM_000022.4(ADA):c.780+7G>A

Gene: ADA (adenosine deaminase; minus strand). Cytogenetic location: 20q13.12.
Variant type: single nucleotide variant.
Coding change: c.780+7G>A on transcript NM_000022.4 (MANE Select); 7 bases into the intron after coding-DNA position 780, G replaced by A.
Molecular consequence: intron variant.
Genome position (GRCh38, 1-based): chr20:44,622,822, C>T on the plus strand (G>A on the coding strand, the complement: ADA is on the minus strand). VCF-style: chr20-44622822-C-T. GRCh37 (hg19) VCF-style: chr20-43251463-C-T.
Other names: p.?; c.375+7G>A (NM_001322050.2); c.708+7G>A (NM_001322051.2); c.780+7G>A (NM_000022.3).
Identifiers: ClinVar variation 392264 (VCV000392264.17), dbSNP rs371862936, ClinGen allele CA9871532.

ClinVar aggregate classification (germline): Likely benign. Review status: criteria provided, multiple submitters, no conflicts (2 of 4 stars). 6 submissions from 6 submitters: Likely benign (5). 1 of the submissions does not count toward it. Last evaluated 2026-04-15.

Conditions:
ADA-related disorder. Also called: ADA-related condition.
Severe combined immunodeficiency, autosomal recessive, T cell-negative, B cell-negative, NK cell-negative, due to adenosine deaminase deficiency. Also called: Adenosine Deaminase Deficiency; SCID DUE TO ADA DEFICIENCY; SCID DUE TO ADA DEFICIENCY, EARLY-ONSET; ADA deficiency; Adenosine deaminase deficient severe combined immunodeficiency; Severe combined immunodeficiency due to ADA deficiency. Identifiers: Orphanet 277, MedGen C0392607, MONDO:0007064, OMIM 102700.

Allele frequency attached by ClinVar (database versions not stated): gnomAD 0.00017; ExAC 0.00019; 1000 Genomes Project 0.00020; TOPMed 0.00020; gnomAD exomes 0.00025 and 0.00033; 1000 Genomes Project 30x 0.00031; ESP Exome Variant Server 0.00031.
gnomAD v4.1: 514 of 1,614,216 alleles (0.032%); highest among the groups gnomAD compares: Admixed American, 0.045%; no homozygotes.

Submissions (6):

Women's Health and Genetics/Laboratory Corporation of America, LabCorp
Classification: Likely benign. Last evaluated: 2026-04-15. Review status: criteria provided, single submitter. Criteria: LabCorp Variant Classification Summary - May 2015. Collection method: clinical testing. Allele origin: germline.

Labcorp Genetics (formerly Invitae), Labcorp
Classification: Likely benign for Severe combined immunodeficiency, autosomal recessive, T cell-negative, B cell-negative, NK cell-negative, due to adenosine deaminase deficiency. Last evaluated: 2026-01-18. Review status: criteria provided, single submitter. Criteria: Invitae Variant Classification Sherloc (09022015). Collection method: clinical testing. Allele origin: germline.

Mayo Clinic Laboratories, Mayo Clinic
Classification: Likely benign. Last evaluated: 2025-07-08. Review status: criteria provided, single submitter. Criteria: ACMG Guidelines, 2015. Collection method: clinical testing. Allele origin: germline. Observed: 2 variant alleles.
Comment: BP4, BP7

Blueprint Genetics
Classification: Likely benign. Last evaluated: 2024-06-07. Review status: criteria provided, single submitter. Criteria: ACMG Guidelines, 2015. Collection method: clinical testing. Allele origin: germline.

GeneDx
Classification: Likely benign. Last evaluated: 2016-12-21. Review status: criteria provided, single submitter. Criteria: GeneDx Variant Classification (06012015). Collection method: clinical testing. Allele origin: germline. Affected: yes.
Comment: This variant is considered likely benign or benign based on one or more of the following criteria: it is a conservative change, it occurs at a poorly conserved position in the protein, it is predicted to be benign by multiple in silico algorithms, and/or has population frequency not consistent with disease.

PreventionGenetics, part of Exact Sciences
Classification: Likely benign for ADA-related condition. Last evaluated: 2019-06-05. Review status: no assertion criteria provided. Collection method: clinical testing. Allele origin: germline. Not counted in ClinVar's aggregate classification.
Comment: This variant is classified as likely benign based on ACMG/AMP sequence variant interpretation guidelines (Richards et al. 2015 PMID: 25741868, with internal and published modifications).